The following is an entry in ClinVar:

NM_018263.6(ASXL2):c.797G>A (p.Cys266Tyr)

Gene: ASXL2 (ASXL transcriptional regulator 2; minus strand). Cytogenetic location: 2p23.3.
Variant type: single nucleotide variant.
Coding change: c.797G>A on transcript NM_018263.6 (MANE Select); coding-DNA position 797, G replaced by A.
Protein change: p.Cys266Tyr; replaces cysteine 266 with tyrosine.
Molecular consequence: missense variant.
Genome position (GRCh38, 1-based): chr2:25,759,624, C>T on the plus strand (G>A on the coding strand, the complement: ASXL2 is on the minus strand). VCF-style: chr2-25759624-C-T. GRCh37 (hg19) VCF-style: chr2-25982493-C-T.
Other names: c.623G>A, p.Cys208Tyr (NM_001369346.1); c.17G>A, p.Cys6Tyr (NM_001369347.1); short protein forms C208Y, C266Y, C6Y.
Identifiers: ClinVar variation 3251644 (VCV003251644.2), dbSNP rs2149146668.

ClinVar aggregate classification (germline): Uncertain significance (1 of 4 stars; one submission).

Submission:

Women's Health and Genetics/Laboratory Corporation of America, LabCorp
Classification: Uncertain significance. Last evaluated: 2025-10-13. Review status: criteria provided, single submitter. Criteria: LabCorp Variant Classification Summary - May 2015. Collection method: clinical testing. Allele origin: germline.
Comment: Variant summary: ASXL2 c.797G>A (p.Cys266Tyr) results in a non-conservative amino acid change in the encoded protein sequence. Algorithms developed to predict the effect of missense changes on protein structure and function are either unavailable or do not agree on the potential impact of this missense change. The variant was absent in 249088 control chromosomes. The available data on variant occurrences in the general population are insufficient to allow any conclusion about variant significance. To our knowledge, no occurrence of c.797G>A in individuals affected with ASXL2-related conditions and no experimental evidence demonstrating its impact on protein function have been reported. ClinVar contains an entry for this variant (Variation ID: 3251644). Based on the evidence outlined above, the variant was classified as uncertain significance.